The following is an entry in ClinVar:

ClinVar aggregate classification (germline): Uncertain significance (1 of 4 stars; one submission).

Conditions:
Immunodeficiency, common variable, 7. Identifiers: Orphanet 1572, Orphanet 696894, MedGen C3542922, MONDO:0013862, OMIM 614699.

Submission:

Labcorp Genetics (formerly Invitae), Labcorp
Classification: Uncertain significance for Immunodeficiency, common variable, 7. Last evaluated: 2018-05-17. Review status: criteria provided, single submitter. Criteria: Invitae Variant Classification Sherloc (09022015). Collection method: clinical testing. Allele origin: germline.
Comment: This sequence change replaces proline with threonine at codon 974 of the CR2 protein (p.Pro974Thr). The proline residue is moderately conserved and there is a small physicochemical difference between proline and threonine. This variant is not present in population databases (ExAC no frequency). This variant has not been reported in the literature in individuals with CR2-related disease. Algorithms developed to predict the effect of missense changes on protein structure and function are either unavailable or do not agree on the potential impact of this missense change (SIFT: "Tolerated"; PolyPhen-2: "Possibly Damaging"; Align-GVGD: "Class C0"). In summary, the available evidence is currently insufficient to determine the role of this variant in disease. Therefore, it has been classified as a Variant of Uncertain Significance.

NM_001006658.3(CR2):c.2920C>A (p.Pro974Thr)

Gene: CR2 (complement C3d receptor 2; plus strand). Cytogenetic location: 1q32.2.
Variant type: single nucleotide variant.
Coding change: c.2920C>A on transcript NM_001006658.3 (MANE Select); coding-DNA position 2920, C replaced by A.
Protein change: p.Pro974Thr; replaces proline 974 with threonine.
Molecular consequence: missense variant.
Genome position (GRCh38, 1-based): chr1:207,477,902, C>A. VCF-style: chr1-207477902-C-A. GRCh37 (hg19) VCF-style: chr1-207651247-C-A.
Other names: c.2743C>A, p.Pro915Thr (NM_001877.5); short protein forms P974T, P915T.
Identifiers: ClinVar variation 583224 (VCV000583224.6), dbSNP rs1292827746, ClinGen allele CA344541094.